The following is an entry in ClinVar:

NM_018896.5(CACNA1G):c.5853C>T (p.Asp1951=)

Gene: CACNA1G (calcium voltage-gated channel subunit alpha1 G; plus strand). Cytogenetic location: 17q21.33.
Variant type: single nucleotide variant.
Coding change: c.5853C>T on transcript NM_018896.5 (MANE Select); coding-DNA position 5853, C replaced by T.
Protein change: p.Asp1951=; no amino-acid change (aspartic acid 1951 retained).
Molecular consequence: synonymous variant. On other transcripts: intron variant (20).
Genome position (GRCh38, 1-based): chr17:50,619,754, C>T. VCF-style: chr17-50619754-C-T. GRCh37 (hg19) VCF-style: chr17-48697115-C-T.
Other names: p.Asp1951=; c.5799C>T, p.Asp1933= (NM_001256324.2); c.5718C>T, p.Asp1906= (NM_001256326.2); c.5820C>T, p.Asp1940= (NM_198377.3, NM_198380.3); c.5751C>T, p.Asp1917= (NM_198379.3, NM_198396.3); c.5853C>T, p.Asp1951= (NM_198385.3); c.5802+746C>T (NM_001256325.2); c.5748+746C>T (NM_198378.3, NM_001256334.2); and 13 more.
Identifiers: ClinVar variation 719570 (VCV000719570.14), dbSNP rs61467595, ClinGen allele CA8653495.
Genomic context (GRCh38, chr17:50,619,754, plus strand): 5'-GTTTGACACCATATCCCTGCTGATCCAGGGCTCCCTGGAGTGGGAGCTGAAGCTGATGGA[C>T]GAGCTGGCAGGCCCAGGGGGCCAGCCCTCTGCCTTCCCTTCTGCCCCCAGCCTGGGAGGC-3'
Protein context (NP_061496.2, residues 1941-1961): GSLEWELKLM[Asp1951=]ELAGPGGQPS

ClinVar aggregate classification (germline): Benign/Likely benign. Review status: criteria provided, multiple submitters, no conflicts (2 of 4 stars). 5 submissions from 5 submitters: Benign (2); Likely benign (2). 1 of the submissions does not count toward it. Last evaluated 2026-01-13.

Conditions:
CACNA1G-related disorder. Also called: CACNA1G-related condition; CACNA1G-related disorders.

Allele frequency attached by ClinVar (database versions not stated): gnomAD exomes 0.00071 and 0.00167; ExAC 0.00233; gnomAD 0.00662 and 0.00707; ESP Exome Variant Server 0.00673; TOPMed 0.00742; 1000 Genomes Project 0.00919; 1000 Genomes Project 30x 0.00968.
gnomAD v4.1: 2,067 of 1,609,374 alleles (0.13%); highest among the groups gnomAD compares: African/African-American, 2.2%; 24 homozygotes.

Submissions (5):

Labcorp Genetics (formerly Invitae), Labcorp
Classification: Benign. Last evaluated: 2026-01-13. Review status: criteria provided, single submitter. Criteria: Invitae Variant Classification Sherloc (09022015). Collection method: clinical testing. Allele origin: germline.

Mayo Clinic Laboratories, Mayo Clinic
Classification: Benign. Last evaluated: 2025-06-04. Review status: criteria provided, single submitter. Criteria: ACMG Guidelines, 2015. Collection method: clinical testing. Allele origin: germline. Observed: 1 variant allele.
Comment: BS1, BS2, BP4, BP7

GeneDx
Classification: Likely benign. Last evaluated: 2021-03-23. Review status: criteria provided, single submitter. Criteria: GeneDx Variant Classification Process June 2021. Collection method: clinical testing. Allele origin: germline. Affected: yes.

Breakthrough Genomics
Classification: Likely benign. Review status: criteria provided, single submitter. Criteria: ACMG Guidelines, 2015. Collection method: not provided. Allele origin: germline. Inheritance: Autosomal dominant inheritance. Affected: yes.

PreventionGenetics, part of Exact Sciences
Classification: Benign for CACNA1G-related condition. Last evaluated: 2020-01-03. Review status: no assertion criteria provided. Collection method: clinical testing. Allele origin: germline. Not counted in ClinVar's aggregate classification.
Comment: This variant is classified as benign based on ACMG/AMP sequence variant interpretation guidelines (Richards et al. 2015 PMID: 25741868, with internal and published modifications).